The following is an entry in ClinVar:

ClinVar aggregate classification (germline): Pathogenic/Likely pathogenic. Review status: criteria provided, multiple submitters, no conflicts (2 of 4 stars). 2 submissions from 2 submitters: Pathogenic (1); Likely pathogenic (1). Last evaluated 2024-10-02.

Conditions:
Mandibuloacral dysplasia with type B lipodystrophy (MADB). Also called: LIPODYSTROPHY, TYPE B, ASSOCIATED WITH MANDIBULOACRAL DYSPLASIA. Identifiers: Orphanet 2457, Orphanet 90154, MedGen C1837756, MONDO:0012074, OMIM 608612.
ZMPSTE24-related disorder. Also called: ZMPSTE24-related disorders; ZMPSTE24-related condition. Identifiers: MedGen CN239425.

Submissions (2):

Greenwood Genetic Center Diagnostic Laboratories, Greenwood Genetic Center
Classification: Likely pathogenic for ZMPSTE24-related disorder. Last evaluated: 2024-10-02. Review status: criteria provided, single submitter. Criteria: ACMG Guidelines, 2015. Collection method: clinical testing. Allele origin: germline. Affected: yes.
Comment: PVS1, PM2

Baylor Genetics
Classification: Pathogenic for Mandibuloacral dysplasia with type B lipodystrophy. Last evaluated: 2022-07-22. Review status: criteria provided, single submitter. Criteria: ACMG Guidelines, 2015. Collection method: clinical testing. Allele origin: unknown.

NM_005857.5(ZMPSTE24):c.1133_1137del (p.Gly377_Phe378insTer)

Gene: ZMPSTE24 (zinc metallopeptidase STE24; plus strand). Cytogenetic location: 1p34.2.
Variant type: Deletion.
Coding change: c.1133_1137del on transcript NM_005857.5 (MANE Select); coding-DNA positions 1133 to 1137, 5 bases deleted (TTTAT; older notation c.1133_1137delTTTAT).
Protein change: p.Gly377_Phe378insTer.
Molecular consequence: nonsense.
Genome position (GRCh38, 1-based): chr1:40,290,927-40,290,931, TTTAT deleted; deleting any 5 consecutive bases within chr1:40,290,926-40,290,931 gives the same sequence; the c. name uses the placement nearest the transcript's 3' end. VCF-style (leftmost placement, unchanged base first): chr1-40290925-TTTTTA-T. GRCh37 (hg19) VCF-style: chr1-40756597-TTTTTA-T.
Identifiers: ClinVar variation 2441655 (VCV002441655.2), dbSNP rs1217416700, ClinGen allele CA522428267.
Genomic context (GRCh38, chr1:40,290,925, plus strand): 5'-CCTGTGTTTTTTTTTATTTGCTGTATTAATTGGTCGAAAGGAGCTTTTTGCTGCATTTGG[TTTTTA>T]TGATAGCCAACCCACTCTTATTGGACTATTGATCATCTTCCAGTTTATTTTTTCACCTTA-3'